The following is an entry in ClinVar:

ClinVar aggregate classification (germline): Uncertain significance (1 of 4 stars; one submission).

Allele frequency attached by ClinVar (database versions not stated): gnomAD 0.00001; TOPMed 0.00001.
gnomAD v4.1: 2 of 1,525,852 alleles (0.00013%); highest among the groups gnomAD compares: Non-Finnish European, 0.00017%; no homozygotes.

Submission:

Labcorp Genetics (formerly Invitae), Labcorp
Classification: Uncertain significance. Last evaluated: 2021-08-01. Review status: criteria provided, single submitter. Criteria: Invitae Variant Classification Sherloc (09022015). Collection method: clinical testing. Allele origin: germline.
Comment: In summary, the available evidence is currently insufficient to determine the role of this variant in disease. Therefore, it has been classified as a Variant of Uncertain Significance. Algorithms developed to predict the effect of missense changes on protein structure and function are either unavailable or do not agree on the potential impact of this missense change (SIFT: "Not Available"; PolyPhen-2: "Probably Damaging"; Align-GVGD: "Not Available"). This variant has not been reported in the literature in individuals affected with TCF3-related conditions. This variant is not present in population databases (ExAC no frequency). This sequence change replaces proline with leucine at codon 135 of the TCF3 protein (p.Pro135Leu). The proline residue is moderately conserved and there is a moderate physicochemical difference between proline and leucine.

NM_003200.5(TCF3):c.404C>T (p.Pro135Leu)

Gene: TCF3 (transcription factor 3; minus strand). Cytogenetic location: 19p13.3.
Variant type: single nucleotide variant.
Coding change: c.404C>T on transcript NM_003200.5 (MANE Select); coding-DNA position 404, C replaced by T.
Protein change: p.Pro135Leu; replaces proline 135 with leucine.
Molecular consequence: missense variant.
Genome position (GRCh38, 1-based): chr19:1,625,671, G>A on the plus strand (C>T on the coding strand, the complement: TCF3 is on the minus strand). VCF-style: chr19-1625671-G-A. GRCh37 (hg19) VCF-style: chr19-1625670-G-A.
Other names: c.404C>T, p.Pro135Leu (NM_001136139.4, NM_001351778.2, NM_001351779.2); short protein forms P135L.
Identifiers: ClinVar variation 1509347 (VCV001509347.6), dbSNP rs1167586863, ClinGen allele CA403057227.